The following is an entry in ClinVar:

NM_000747.3(CHRNB1):c.1301G>A (p.Arg434Gln)

Gene: CHRNB1 (cholinergic receptor nicotinic beta 1 subunit; plus strand). Cytogenetic location: 17p13.1.
Variant type: single nucleotide variant.
Coding change: c.1301G>A on transcript NM_000747.3 (MANE Select); coding-DNA position 1301, G replaced by A.
Protein change: p.Arg434Gln; replaces arginine 434 with glutamine.
Molecular consequence: missense variant.
Genome position (GRCh38, 1-based): chr17:7,455,877, G>A. VCF-style: chr17-7455877-G-A. GRCh37 (hg19) VCF-style: chr17-7359196-G-A.
Other names: short protein forms R434Q.
Identifiers: ClinVar variation 3718871 (VCV003718871.2).

ClinVar aggregate classification (germline): Uncertain significance (1 of 4 stars; one submission).

Conditions:
Congenital myasthenic syndrome 2A. Also called: Myasthenic syndrome, congenital, 2a, slow-channel. Identifiers: Orphanet 590, MedGen C4225374, MONDO:0014581, OMIM 616313.

gnomAD v4.1: 4 of 1,613,924 alleles (0.00025%); highest among the groups gnomAD compares: African/African-American, 0.0027%; no homozygotes.

Submission:

Labcorp Genetics (formerly Invitae), Labcorp
Classification: Uncertain significance for Congenital myasthenic syndrome 2A. Last evaluated: 2024-12-31. Review status: criteria provided, single submitter. Criteria: Invitae Variant Classification Sherloc (09022015). Collection method: clinical testing. Allele origin: germline.
Comment: This sequence change replaces arginine, which is basic and polar, with glutamine, which is neutral and polar, at codon 434 of the CHRNB1 protein (p.Arg434Gln). This variant is present in population databases (rs750141309, gnomAD 0.004%). This variant has not been reported in the literature in individuals affected with CHRNB1-related conditions. Invitae Evidence Modeling of protein sequence and biophysical properties (such as structural, functional, and spatial information, amino acid conservation, physicochemical variation, residue mobility, and thermodynamic stability) indicates that this missense variant is not expected to disrupt CHRNB1 protein function with a negative predictive value of 80%. In summary, the available evidence is currently insufficient to determine the role of this variant in disease. Therefore, it has been classified as a Variant of Uncertain Significance.